The following is an entry in ClinVar:

NM_004817.4(TJP2):c.220C>T (p.Pro74Ser)

Gene: TJP2 (tight junction protein 2; plus strand). Cytogenetic location: 9q21.11.
Variant type: single nucleotide variant.
Coding change: c.220C>T on transcript NM_004817.4 (MANE Select); coding-DNA position 220, C replaced by T.
Protein change: p.Pro74Ser; replaces proline 74 with serine.
Molecular consequence: missense variant.
Genome position (GRCh38, 1-based): chr9:69,216,444, C>T. VCF-style: chr9-69216444-C-T. GRCh37 (hg19) VCF-style: chr9-71831360-C-T.
Other names: c.151C>T, p.Pro51Ser (NM_001170414.2, NM_001369870.1, NM_001369871.1); c.232C>T, p.Pro78Ser (NM_001170415.1, NM_001369874.1, NM_001369875.1); c.313C>T, p.Pro105Ser (NM_001170416.2); c.220C>T, p.Pro74Ser (NM_001369872.1, NM_001369873.1, NM_201629.3); short protein forms P74S, P78S, P105S, P51S.
Identifiers: ClinVar variation 2089877 (VCV002089877.4), dbSNP rs2538413653, ClinGen allele CA373526292.

ClinVar aggregate classification (germline): Uncertain significance (1 of 4 stars; one submission).

Submission:

Labcorp Genetics (formerly Invitae), Labcorp
Classification: Uncertain significance. Last evaluated: 2022-07-12. Review status: criteria provided, single submitter. Criteria: Invitae Variant Classification Sherloc (09022015). Collection method: clinical testing. Allele origin: germline.
Comment: This sequence change replaces proline, which is neutral and non-polar, with serine, which is neutral and polar, at codon 74 of the TJP2 protein (p.Pro74Ser). This variant is not present in population databases (gnomAD no frequency). This variant has not been reported in the literature in individuals affected with TJP2-related conditions. Algorithms developed to predict the effect of missense changes on protein structure and function are either unavailable or do not agree on the potential impact of this missense change (SIFT: "Deleterious"; PolyPhen-2: "Probably Damaging"; Align-GVGD: "Class C0"). Algorithms developed to predict the effect of sequence changes on RNA splicing suggest that this variant may create or strengthen a splice site. In summary, the available evidence is currently insufficient to determine the role of this variant in disease. Therefore, it has been classified as a Variant of Uncertain Significance.